The following is an entry in ClinVar:

NM_000057.4(BLM):c.1118T>A (p.Ile373Asn)

Gene: BLM (BLM RecQ like helicase; plus strand). Cytogenetic location: 15q26.1.
Variant type: single nucleotide variant.
Coding change: c.1118T>A on transcript NM_000057.4 (MANE Select); coding-DNA position 1118, T replaced by A.
Protein change: p.Ile373Asn; replaces isoleucine 373 with asparagine.
Molecular consequence: missense variant. On other transcripts: 5 prime UTR variant (1).
Genome position (GRCh38, 1-based): chr15:90,760,177, T>A. VCF-style: chr15-90760177-T-A. GRCh37 (hg19) VCF-style: chr15-91303407-T-A.
Other names: c.1118T>A, p.Ile373Asn (NM_001287246.2, NM_001287247.2); c.-8T>A (NM_001287248.2); c.1118T>A (NM_000057.2); short protein forms I373N.
Identifiers: ClinVar variation 405271 (VCV000405271.14), dbSNP rs1060500630, ClinGen allele CA16614601.
Genomic context (GRCh38, chr15:90,760,177, plus strand): 5'-AAAAATATTAACAACATAATTATTTTATAGCTAGACAGATAAGTTTACAGCAGCAGCTTA[T>A]TCATGTGATGGAGCACATCTGTAAATTAATTGATACTATTCCTGATGATAAACTGAAACT-3'
Protein context (NP_000048.1, residues 363-383): ARQISLQQQL[Ile373Asn]HVMEHICKLI

ClinVar aggregate classification (germline): Uncertain significance. Review status: criteria provided, multiple submitters, no conflicts (2 of 4 stars). 3 submissions from 3 submitters: Uncertain significance (2). 1 of the submissions does not count toward it. Last evaluated 2025-06-21.

Conditions:
Hereditary cancer-predisposing syndrome. Also called: Hereditary Cancer Syndrome; Hereditary neoplastic syndrome; Neoplastic Syndromes, Hereditary; Tumor predisposition. Identifiers: Orphanet 140162, MedGen C0027672, MeSH D009386, MONDO:0015356.
Bloom syndrome (BLM). Also called: Bloom-Torre-Machacek syndrome. Identifiers: Orphanet 125, MedGen C0005859, MONDO:0008876, OMIM 210900.

gnomAD v4.1: 1 of 1,612,564 alleles (0.000062%); highest among the groups gnomAD compares: Non-Finnish European, 0.000085%; no homozygotes.

Submissions (3):

Ambry Genetics
Classification: Uncertain significance for Hereditary cancer-predisposing syndrome. Last evaluated: 2025-06-21. Review status: criteria provided, single submitter. Criteria: Ambry Variant Classification Scheme 2023. Collection method: clinical testing. Allele origin: germline.
Comment: The p.I373N variant (also known as c.1118T>A), located in coding exon 5 of the BLM gene, results from a T to A substitution at nucleotide position 1118. The isoleucine at codon 373 is replaced by asparagine, an amino acid with dissimilar properties. This amino acid position is not well conserved in available vertebrate species. In addition, this alteration is predicted to be tolerated by in silico analysis. Since supporting evidence is limited at this time, the clinical significance of this alteration remains unclear.

Labcorp Genetics (formerly Invitae), Labcorp
Classification: Uncertain significance for Bloom syndrome. Last evaluated: 2024-01-10. Review status: criteria provided, single submitter. Criteria: Invitae Variant Classification Sherloc (09022015). Collection method: clinical testing. Allele origin: germline.
Comment: This sequence change replaces isoleucine, which is neutral and non-polar, with asparagine, which is neutral and polar, at codon 373 of the BLM protein (p.Ile373Asn). This variant is not present in population databases (gnomAD no frequency). This variant has not been reported in the literature in individuals affected with BLM-related conditions. ClinVar contains an entry for this variant (Variation ID: 405271). Advanced modeling of protein sequence and biophysical properties (such as structural, functional, and spatial information, amino acid conservation, physicochemical variation, residue mobility, and thermodynamic stability) performed at Invitae indicates that this missense variant is not expected to disrupt BLM protein function with a negative predictive value of 80%. In summary, the available evidence is currently insufficient to determine the role of this variant in disease. Therefore, it has been classified as a Variant of Uncertain Significance.

Natera, Inc.
Classification: Uncertain significance for Bloom syndrome. Last evaluated: 2020-09-16. Review status: no assertion criteria provided. Collection method: clinical testing. Allele origin: germline. Not counted in ClinVar's aggregate classification.